The following is an entry in ClinVar:

NM_206933.4(USH2A):c.11585C>G (p.Thr3862Arg)

Gene: USH2A (usherin; minus strand). Cytogenetic location: 1q41.
Variant type: single nucleotide variant.
Coding change: c.11585C>G on transcript NM_206933.4 (MANE Select); coding-DNA position 11585, C replaced by G.
Protein change: p.Thr3862Arg; replaces threonine 3862 with arginine.
Molecular consequence: missense variant.
Genome position (GRCh38, 1-based): chr1:215,741,501, G>C on the plus strand (C>G on the coding strand, the complement: USH2A is on the minus strand). VCF-style: chr1-215741501-G-C. GRCh37 (hg19) VCF-style: chr1-215914843-G-C.
Other names: short protein forms T3862R.
Identifiers: ClinVar variation 289232 (VCV000289232.11), dbSNP rs886044126, ClinGen allele CA10606378.
Genomic context (GRCh38, chr1:215,741,501, plus strand): 5'-CAAGCTGACCCCAGTGCCTTAAGAACAGGAGAATTAAGATCCATTGGGGCTGCTTCAGGT[G>C]TTTTGACAAACATCCTACTGCTAACTCCACAACTTCCTTGAAAAAAAAAAAATTGAGGTC-3'
Protein context (NP_996816.3, residues 3852-3872): CGVSSRMFVK[Thr3862Arg]PEAAPMDLNS

ClinVar aggregate classification (germline): Conflicting classifications of pathogenicity. Review status: criteria provided, conflicting classifications (1 of 4 stars). 3 submissions from 3 submitters: Pathogenic (2); Uncertain significance (1). Last evaluated 2025-11-23.

Conditions:
USH2A-related disorder. Also called: USH2A-related condition; USH2A-related disorders. Identifiers: MedGen CN239332.

Allele frequency attached by ClinVar (database versions not stated): TOPMed below 0.00001; gnomAD 0.00001.
gnomAD v4.1: 8 of 1,612,658 alleles (0.0005%); highest among the groups gnomAD compares: Non-Finnish European, 0.00068%; no homozygotes.

Submissions (3):

Labcorp Genetics (formerly Invitae), Labcorp
Classification: Pathogenic. Last evaluated: 2025-11-23. Review status: criteria provided, single submitter. Criteria: Invitae Variant Classification Sherloc (09022015). Collection method: clinical testing. Allele origin: germline.
Comment: This sequence change replaces threonine, which is neutral and polar, with arginine, which is basic and polar, at codon 3862 of the USH2A protein (p.Thr3862Arg). This variant is not present in population databases (gnomAD no frequency). This missense change has been observed in individual(s) with Usher syndrome (PMID: 24944099; internal data). ClinVar contains an entry for this variant (Variation ID: 289232). Invitae Evidence Modeling of protein sequence and biophysical properties (such as structural, functional, and spatial information, amino acid conservation, physicochemical variation, residue mobility, and thermodynamic stability) indicates that this missense variant is expected to disrupt USH2A protein function with a positive predictive value of 80%. For these reasons, this variant has been classified as Pathogenic.

Blueprint Genetics
Classification: Pathogenic for USH2A-related disorders. Last evaluated: 2022-06-02. Review status: criteria provided, single submitter. Criteria: ACMG Guidelines, 2015. Collection method: clinical testing. Allele origin: germline. Affected: yes. Observed: 5 variant alleles.

Eurofins Ntd Llc (ga)
Classification: Uncertain significance. Last evaluated: 2016-08-25. Review status: criteria provided, single submitter. Criteria: EGL Classification Definitions 2015. Collection method: clinical testing. Allele origin: germline. Observed: 1 variant allele, 1 heterozygote.

Literature cited by the submitters: PubMed 24944099 (cited by Labcorp Genetics (formerly Invitae), Labcorp).